The following is an entry in ClinVar:

ClinVar aggregate classification (germline): Uncertain significance (1 of 4 stars; one submission).

Submission:

Women's Health and Genetics/Laboratory Corporation of America, LabCorp
Classification: Uncertain significance. Last evaluated: 2026-06-18. Review status: criteria provided, single submitter. Criteria: LabCorp Variant Classification Summary - May 2015. Collection method: clinical testing. Allele origin: germline.
Comment: Variant summary: THRB c.1079T>G (p.Leu360Arg) results in a non-conservative amino acid change in the encoded protein sequence. Algorithms developed to predict the effect of missense changes on protein structure and function all suggest that this variant is likely to be disruptive. The variant was absent in 251440 control chromosomes. The available data on variant occurrences in the general population are insufficient to allow any conclusion about variant significance. To our knowledge, no occurrence of c.1079T>G in individuals affected with THRB-related conditions and no experimental evidence demonstrating its impact on protein function have been reported. No submitters have cited clinical-significance assessments for this variant to ClinVar. Based on the evidence outlined above, the variant was classified as uncertain significance.

NM_001354712.2(THRB):c.1079T>G (p.Leu360Arg)

Gene: THRB (thyroid hormone receptor beta; minus strand). Cytogenetic location: 3p24.2.
Variant type: single nucleotide variant.
Coding change: c.1079T>G on transcript NM_001354712.2 (MANE Select); coding-DNA position 1079, T replaced by G.
Protein change: p.Leu360Arg; replaces leucine 360 with arginine.
Molecular consequence: missense variant. On other transcripts: intron variant (1).
Genome position (GRCh38, 1-based): chr3:24,127,564, A>C on the plus strand (T>G on the coding strand, the complement: THRB is on the minus strand). VCF-style: chr3-24127564-A-C. GRCh37 (hg19) VCF-style: chr3-24169055-A-C.
Other names: c.1079T>G, p.Leu360Arg (NM_000461.5, NM_001128176.3, NM_001128177.2 and 11 more transcripts); c.986T>G, p.Leu329Arg (NM_001354714.2, NM_001354715.2); c.973+106T>G (NM_001374827.1); short protein forms L329R, L360R.
Identifiers: ClinVar variation 4887144 (VCV004887144.1).
Genomic context (GRCh38, chr3:24,127,564, plus strand): 5'-GACATCAGCAGGACGGCCTGAAGGAGGGCTACTTCAGTGTCATCCAGGTTGAAAGAAGAC[A>C]GAGACATGCCCAGGTCAAAGATGGCGTCTGACACCACCCCAAGACCCCCATTTTTCAGCT-3'
Protein context (NP_001341641.1, residues 350-370): SDAIFDLGMS[Leu360Arg]SSFNLDDTEV